The following is an entry in ClinVar:

ClinVar aggregate classification (germline): Uncertain significance (1 of 4 stars; one submission).

Conditions:
Predisposition to invasive fungal disease due to CARD9 deficiency (IMD103). Also called: CARD9 IMMUNODEFICIENCY; Candidiasis, familial, 2, autosomal recessive; IMMUNODEFICIENCY 103, SUSCEPTIBILITY TO FUNGAL INFECTIONS. Identifiers: Orphanet 457088, MedGen C1859353, MONDO:0008905, OMIM 212050.

Submission:

Labcorp Genetics (formerly Invitae), Labcorp
Classification: Uncertain significance for Predisposition to invasive fungal disease due to CARD9 deficiency. Last evaluated: 2023-06-22. Review status: criteria provided, single submitter. Criteria: Invitae Variant Classification Sherloc (09022015). Collection method: clinical testing. Allele origin: germline.
Comment: This variant has not been reported in the literature in individuals affected with CARD9-related conditions. This sequence change replaces alanine, which is neutral and non-polar, with valine, which is neutral and non-polar, at codon 259 of the CARD9 protein (p.Ala259Val). This variant is not present in population databases (gnomAD no frequency). ClinVar contains an entry for this variant (Variation ID: 2087295). Advanced modeling of protein sequence and biophysical properties (such as structural, functional, and spatial information, amino acid conservation, physicochemical variation, residue mobility, and thermodynamic stability) performed at Invitae indicates that this missense variant is not expected to disrupt CARD9 protein function. Algorithms developed to predict the effect of sequence changes on RNA splicing suggest that this variant may create or strengthen a splice site. In summary, the available evidence is currently insufficient to determine the role of this variant in disease. Therefore, it has been classified as a Variant of Uncertain Significance.

NM_052813.5(CARD9):c.776C>T (p.Ala259Val)

Gene: CARD9 (caspase recruitment domain family member 9; minus strand). Cytogenetic location: 9q34.3.
Variant type: single nucleotide variant.
Coding change: c.776C>T on transcript NM_052813.5 (MANE Select); coding-DNA position 776, C replaced by T.
Protein change: p.Ala259Val; replaces alanine 259 with valine.
Molecular consequence: missense variant.
Genome position (GRCh38, 1-based): chr9:136,370,553, G>A on the plus strand (C>T on the coding strand, the complement: CARD9 is on the minus strand). VCF-style: chr9-136370553-G-A. GRCh37 (hg19) VCF-style: chr9-139265005-G-A.
Other names: c.776C>T, p.Ala259Val (NM_052814.4); short protein forms A259V.
Identifiers: ClinVar variation 2087295 (VCV002087295.4), dbSNP rs866295639, ClinGen allele CA201614028.